The following is an entry in ClinVar:

ClinVar aggregate classification (germline): Uncertain significance (1 of 4 stars; one submission).

Conditions:
Hypertrophic cardiomyopathy 10. Also called: CARDIOMYOPATHY, HYPERTROPHIC, MID-LEFT VENTRICULAR CHAMBER TYPE, 2; MYL2-Related Familial Hypertrophic Cardiomyopathy. Identifiers: MedGen C1834460, MONDO:0012112, OMIM 608758.

Submission:

Labcorp Genetics (formerly Invitae), Labcorp
Classification: Uncertain significance for Hypertrophic cardiomyopathy 10. Last evaluated: 2022-06-04. Review status: criteria provided, single submitter. Criteria: Invitae Variant Classification Sherloc (09022015). Collection method: clinical testing. Allele origin: germline.
Comment: In summary, the available evidence is currently insufficient to determine the role of this variant in disease. Therefore, it has been classified as a Variant of Uncertain Significance. This sequence change replaces proline, which is neutral and non-polar, with serine, which is neutral and polar, at codon 108 of the MYL2 protein (p.Pro108Ser). This variant is not present in population databases (gnomAD no frequency). This variant has not been reported in the literature in individuals affected with MYL2-related conditions. ClinVar contains an entry for this variant (Variation ID: 464144). Algorithms developed to predict the effect of missense changes on protein structure and function (SIFT, PolyPhen-2, Align-GVGD) all suggest that this variant is likely to be tolerated.

NM_000432.4(MYL2):c.322C>T (p.Pro108Ser)

Gene: MYL2 (myosin light chain 2; minus strand). Cytogenetic location: 12q24.11.
Variant type: single nucleotide variant.
Coding change: c.322C>T on transcript NM_000432.4 (MANE Select); coding-DNA position 322, C replaced by T.
Protein change: p.Pro108Ser; replaces proline 108 with serine.
Molecular consequence: missense variant.
Genome position (GRCh38, 1-based): chr12:110,913,277, G>A on the plus strand (C>T on the coding strand, the complement: MYL2 is on the minus strand). VCF-style: chr12-110913277-G-A. GRCh37 (hg19) VCF-style: chr12-111351081-G-A.
Other names: short protein forms P108S.
Identifiers: ClinVar variation 464144 (VCV000464144.10), dbSNP rs1555257773, ClinGen allele CA386697984.